The following is an entry in ClinVar:

ClinVar aggregate classification (germline): Likely benign (1 of 4 stars; one submission).

Conditions:
Polyps, multiple and recurrent inflammatory fibroid, gastrointestinal. Identifiers: MedGen C5193005, MONDO:0008285, OMIM 175510.

Submission:

Myriad Genetics, Inc.
Classification: Likely benign for Polyps, multiple and recurrent inflammatory fibroid, gastrointestinal. Last evaluated: 2026-06-12. Review status: criteria provided, single submitter. Criteria: Myriad Autosomal Dominant, Autosomal Recessive and X-Linked Classification Criteria (2023). Collection method: clinical testing. Allele origin: unknown.
Comment: This variant is considered likely benign. This variant is intronic and is not expected to impact mRNA splicing.

NM_006206.6(PDGFRA):c.368-18T>C

Gene: PDGFRA (platelet derived growth factor receptor alpha; plus strand). Cytogenetic location: 4q12.
Variant type: single nucleotide variant.
Coding change: c.368-18T>C on transcript NM_006206.6 (MANE Select); 18 bases into the intron before coding-DNA position 368, T replaced by C.
Molecular consequence: intron variant.
Genome position (GRCh38, 1-based): chr4:54,263,649, T>C. VCF-style: chr4-54263649-T-C. GRCh37 (hg19) VCF-style: chr4-55129816-T-C.
Other names: c.443-18T>C (NM_001347828.2); c.368-18T>C (NM_001347827.2, NM_001347829.2); c.407-18T>C (NM_001347830.2).
Identifiers: ClinVar variation 4875947 (VCV004875947.1).